The following is an entry in ClinVar:

NM_014629.4(ARHGEF10):c.1287G>C (p.Met429Ile)

Gene: ARHGEF10 (Rho guanine nucleotide exchange factor 10; plus strand). Cytogenetic location: 8p23.3.
Variant type: single nucleotide variant.
Coding change: c.1287G>C on transcript NM_014629.4 (MANE Select); coding-DNA position 1287, G replaced by C.
Protein change: p.Met429Ile; replaces methionine 429 with isoleucine.
Molecular consequence: missense variant.
Genome position (GRCh38, 1-based): chr8:1,894,419, G>C. VCF-style: chr8-1894419-G-C. GRCh37 (hg19) VCF-style: chr8-1842585-G-C.
Other names: c.1173G>C, p.Met391Ile (NM_001308152.2); c.1290G>C, p.Met430Ile (NM_001308153.3); short protein forms M454I, M429I, M391I, M430I.
Identifiers: ClinVar variation 2089980 (VCV002089980.4), dbSNP rs2537442250, ClinGen allele CA369959153.
Genomic context (GRCh38, chr8:1,894,419, plus strand): 5'-AAAGTCTGAACTGTCTTTGCTCATTTTGTCTTAGCAATATGAGAAGCCGCTGTCTGAGAT[G>C]GAGCCAAAGGTTCTGAGTGAGAGGAAGCTGAAGACGGTGTTCTACCGAGTCAAAGAGATC-3'
Protein context (NP_055444.2, residues 419-439): LEQYEKPLSE[Met429Ile]EPKVLSERKL

ClinVar aggregate classification (germline): Uncertain significance (1 of 4 stars; one submission).

Submission:

Labcorp Genetics (formerly Invitae), Labcorp
Classification: Uncertain significance. Last evaluated: 2022-01-26. Review status: criteria provided, single submitter. Criteria: Invitae Variant Classification Sherloc (09022015). Collection method: clinical testing. Allele origin: germline.
Comment: In summary, the available evidence is currently insufficient to determine the role of this variant in disease. Therefore, it has been classified as a Variant of Uncertain Significance. This sequence change replaces methionine, which is neutral and non-polar, with isoleucine, which is neutral and non-polar, at codon 429 of the ARHGEF10 protein (p.Met429Ile). This variant is not present in population databases (gnomAD no frequency). This variant has not been reported in the literature in individuals affected with ARHGEF10-related conditions. Algorithms developed to predict the effect of missense changes on protein structure and function (SIFT, PolyPhen-2, Align-GVGD) all suggest that this variant is likely to be tolerated.